The following is an entry in ClinVar:

ClinVar aggregate classification (germline): Benign. Review status: criteria provided, multiple submitters, no conflicts (2 of 4 stars). 3 submissions from 3 submitters: Benign (2). 1 of the submissions does not count toward it. Last evaluated 2025-07-03.

Conditions:
FREM1-related disorder. Also called: FREM1-related condition; FREM1-Related Disorders.
Oculotrichoanal syndrome (MOTA). Also called: MARLES SYNDROME; Manitoba Oculotrichoanal (MOTA) Syndrome. Identifiers: Orphanet 2717, MedGen C1855425, MONDO:0009560, OMIM 248450.

Allele frequency attached by ClinVar (database versions not stated): gnomAD exomes 0.00019 and 0.00073; gnomAD 0.00029 and 0.00037; TOPMed 0.00051; 1000 Genomes Project 30x 0.00094; ExAC 0.00101; 1000 Genomes Project 0.00120.
gnomAD v4.1: 342 of 1,608,960 alleles (0.021%); highest among the groups gnomAD compares: East Asian, 0.56%; 1 homozygote.

Submissions (3):

Labcorp Genetics (formerly Invitae), Labcorp
Classification: Benign. Last evaluated: 2025-07-03. Review status: criteria provided, single submitter. Criteria: Invitae Variant Classification Sherloc (09022015). Collection method: clinical testing. Allele origin: germline.

Illumina Laboratory Services, Illumina
Classification: Benign for Oculotrichoanal syndrome. Last evaluated: 2018-01-13. Review status: criteria provided, single submitter. Criteria: ICSL Variant Classification Criteria 13 December 2019. Collection method: clinical testing. Allele origin: germline.
Comment: This variant was observed in the ICSL laboratory as part of a predisposition screen in an ostensibly healthy population. It had not been previously curated by ICSL or reported in the Human Gene Mutation Database (HGMD: prior to June 1st, 2018), and was therefore a candidate for classification through an automated scoring system. Utilizing variant allele frequency, disease prevalence and penetrance estimates, and inheritance mode, an automated score was calculated to assess if this variant is too frequent to cause the disease. Based on the score and internal cut-off values, a variant classified as benign is not then subjected to further curation. The score for this variant resulted in a classification of benign for this disease.

PreventionGenetics, part of Exact Sciences
Classification: Likely benign for FREM1-related condition. Last evaluated: 2020-05-27. Review status: no assertion criteria provided. Collection method: clinical testing. Allele origin: germline. Not counted in ClinVar's aggregate classification.
Comment: This variant is classified as likely benign based on ACMG/AMP sequence variant interpretation guidelines (Richards et al. 2015 PMID: 25741868, with internal and published modifications).

NM_001379081.2(FREM1):c.4859T>C (p.Val1620Ala)

Gene: FREM1 (FRAS1 related extracellular matrix 1; minus strand). Cytogenetic location: 9p22.3.
Variant type: single nucleotide variant.
Coding change: c.4859T>C on transcript NM_001379081.2 (MANE Select); coding-DNA position 4859, T replaced by C.
Protein change: p.Val1620Ala; replaces valine 1620 with alanine.
Molecular consequence: missense variant. On other transcripts: non-coding transcript variant (2).
Genome position (GRCh38, 1-based): chr9:14,770,805, A>G on the plus strand (T>C on the coding strand, the complement: FREM1 is on the minus strand). VCF-style: chr9-14770805-A-G. GRCh37 (hg19) VCF-style: chr9-14770803-A-G.
Other names: c.467T>C, p.Val156Ala (NM_001370058.2, NM_001370061.2, NM_001177704.3); c.4859T>C, p.Val1620Ala (NM_144966.7); short protein forms V1620A, V156A.
Identifiers: ClinVar variation 366116 (VCV000366116.11), dbSNP rs190763692, ClinGen allele CA4989982.